The following is an entry in ClinVar:

NM_032043.3(BRIP1):c.1340dup (p.Asn447fs)

Gene: BRIP1 (BRCA1 interacting DNA helicase 1; minus strand). Cytogenetic location: 17q23.2.
Variant type: Duplication.
Coding change: c.1340dup on transcript NM_032043.3 (MANE Select); coding-DNA position 1340, one base duplicated (A; older notation c.1340dupA).
Protein change: p.Asn447fs; shifts the reading frame from asparagine 447.
Molecular consequence: frameshift variant.
Genome position (GRCh38, 1-based): chr17:61,799,100, T duplicated on the plus strand (A on the coding strand, the reverse complement: BRIP1 is on the minus strand); the first of 2 consecutive T bases (chr17:61,799,100-61,799,101); duplicating either gives the same sequence. VCF-style (leftmost placement, unchanged base first): chr17-61799099-C-CT. GRCh37 (hg19) VCF-style: chr17-59876460-C-CT.
Other names: c.1340dupA (NM_032043.2); short protein forms N447fs.
Identifiers: ClinVar variation 4216285 (VCV004216285.1).

ClinVar aggregate classification (germline): Pathogenic (1 of 4 stars; one submission).

Conditions:
Hereditary cancer-predisposing syndrome. Also called: Hereditary Cancer Syndrome; Hereditary neoplastic syndrome; Neoplastic Syndromes, Hereditary; Tumor predisposition. Identifiers: Orphanet 140162, MedGen C0027672, MeSH D009386, MONDO:0015356.

Submission:

Ambry Genetics
Classification: Pathogenic for Hereditary cancer-predisposing syndrome. Last evaluated: 2025-09-08. Review status: criteria provided, single submitter. Criteria: Ambry Variant Classification Scheme 2023. Collection method: clinical testing. Allele origin: germline.
Comment: The c.1340dupA pathogenic mutation, located in coding exon 8 of the BRIP1 gene, results from a duplication of A at nucleotide position 1340, causing a translational frameshift with a predicted alternate stop codon (p.N447Kfs*8). This variant is considered to be rare based on population cohorts in the Genome Aggregation Database (gnomAD). This alteration is expected to result in loss of function by premature protein truncation or nonsense-mediated mRNA decay. As such, this alteration is interpreted as a disease-causing mutation.